The following is an entry in ClinVar:

ClinVar aggregate classification (germline): Uncertain significance (1 of 4 stars; one submission).

Allele frequency attached by ClinVar (database versions not stated): gnomAD exomes 0.00001.
gnomAD v4.1: 14 of 1,568,410 alleles (0.00089%); highest among the groups gnomAD compares: African/African-American, 0.011%; no homozygotes.

Submission:

Labcorp Genetics (formerly Invitae), Labcorp
Classification: Uncertain significance. Last evaluated: 2024-02-24. Review status: criteria provided, single submitter. Criteria: Invitae Variant Classification Sherloc (09022015). Collection method: clinical testing. Allele origin: germline.
Comment: This sequence change falls in intron 10 of the TARS2 gene. It does not directly change the encoded amino acid sequence of the TARS2 protein. This variant is present in population databases (no rsID available, gnomAD 0.02%). This variant has not been reported in the literature in individuals affected with TARS2-related conditions. ClinVar contains an entry for this variant (Variation ID: 1922783). Algorithms developed to predict the effect of sequence changes on RNA splicing suggest that this variant may disrupt the consensus splice site. In summary, the available evidence is currently insufficient to determine the role of this variant in disease. Therefore, it has been classified as a Variant of Uncertain Significance.

NM_025150.5(TARS2):c.1239-7A>G

Gene: TARS2 (threonyl-tRNA synthetase 2, mitochondrial; plus strand). Cytogenetic location: 1q21.2.
Variant type: single nucleotide variant.
Coding change: c.1239-7A>G on transcript NM_025150.5 (MANE Select); 7 bases into the intron before coding-DNA position 1239, A replaced by G.
Molecular consequence: intron variant.
Genome position (GRCh38, 1-based): chr1:150,498,495, A>G. VCF-style: chr1-150498495-A-G. GRCh37 (hg19) VCF-style: chr1-150470971-A-G.
Other names: c.993-7A>G (NM_001271895.2); c.849-7A>G (NM_001271896.2).
Identifiers: ClinVar variation 1922783 (VCV001922783.5), dbSNP rs973787193, ClinGen allele CA526260600.